The following is an entry in ClinVar:

ClinVar aggregate classification (germline): Benign/Likely benign. Review status: criteria provided, multiple submitters, no conflicts (2 of 4 stars). 7 submissions from 7 submitters: Benign (1); Likely benign (4). 2 of the submissions do not count toward it. Last evaluated 2026-06-01.

Conditions:
MRPL3-related disorder. Also called: MRPL3-related condition.

Allele frequency attached by ClinVar (database versions not stated): 1000 Genomes Project 0.00280; gnomAD 0.00303 and 0.00311; TOPMed 0.00310; 1000 Genomes Project 30x 0.00312; ESP Exome Variant Server 0.00354; gnomAD exomes 0.00368; ExAC 0.00377.
gnomAD v4.1: 5,369 of 1,611,402 alleles (0.33%); highest among the groups gnomAD compares: Middle Eastern, 1.1%; 23 homozygotes.

Submissions (7):

CeGaT Center for Human Genetics Tuebingen
Classification: Likely benign. Last evaluated: 2026-06-01. Review status: criteria provided, single submitter. Criteria: CeGaT Center For Human Genetics Tuebingen Variant Classification Criteria Version 2. Collection method: clinical testing. Allele origin: germline. Affected: yes. Observed: 27 variant alleles.
Comment: MRPL3: BP4, BS2

Labcorp Genetics (formerly Invitae), Labcorp
Classification: Likely benign. Last evaluated: 2026-01-12. Review status: criteria provided, single submitter. Criteria: Invitae Variant Classification Sherloc (09022015). Collection method: clinical testing. Allele origin: germline.

GeneDx
Classification: Benign. Last evaluated: 2019-07-11. Review status: criteria provided, single submitter. Criteria: GeneDx Variant Classification Process June 2021. Collection method: clinical testing. Allele origin: germline. Affected: yes.

Center for Pediatric Genomic Medicine, Children's Mercy Hospital and Clinics
Classification: Likely benign. Last evaluated: 2016-10-13. Review status: criteria provided, single submitter. Criteria: ACMG Guidelines, 2015. Collection method: clinical testing. Allele origin: germline.
ClinVar note: Converted during submission from Likely Benign to Likely benign.

Breakthrough Genomics
Classification: Likely benign. Review status: criteria provided, single submitter. Criteria: ACMG Guidelines, 2015. Collection method: not provided. Allele origin: germline. Inheritance: Autosomal recessive inheritance. Affected: yes.

PreventionGenetics, part of Exact Sciences
Classification: Benign for MRPL3-related condition. Last evaluated: 2024-03-13. Review status: no assertion criteria provided. Collection method: clinical testing. Allele origin: germline. Not counted in ClinVar's aggregate classification.
Comment: This variant is classified as benign based on ACMG/AMP sequence variant interpretation guidelines (Richards et al. 2015 PMID: 25741868, with internal and published modifications).

Mayo Clinic Laboratories, Mayo Clinic
Classification: Uncertain significance. Last evaluated: 2016-02-23. Review status: no assertion criteria provided. Collection method: clinical testing. Allele origin: unknown. Not counted in ClinVar's aggregate classification.

NM_007208.4(MRPL3):c.931G>A (p.Gly311Ser)

Gene: MRPL3 (mitochondrial ribosomal protein L3; minus strand). Cytogenetic location: 3q22.1.
Variant type: single nucleotide variant.
Coding change: c.931G>A on transcript NM_007208.4 (MANE Select); coding-DNA position 931, G replaced by A.
Protein change: p.Gly311Ser; replaces glycine 311 with serine.
Molecular consequence: missense variant.
Genome position (GRCh38, 1-based): chr3:131,462,839, C>T on the plus strand (G>A on the coding strand, the complement: MRPL3 is on the minus strand). VCF-style: chr3-131462839-C-T. GRCh37 (hg19) VCF-style: chr3-131181683-C-T.
Other names: short protein forms G311S.
Identifiers: ClinVar variation 374558 (VCV000374558.89), dbSNP rs148679749, ClinGen allele CA2616863.
Genomic context (GRCh38, chr3:131,462,839, plus strand): 5'-CTTCTGGCAGTTCCTCTTCATCTCCATCAGGAAAATATGTAGGGAATGGTAGATTTTTAC[C>T]GAGATCCTTATATGCAGGCAGTTTAGAATCTTTGACCTGAGAGAAGGCAAAAATCTTAGT-3'
Protein context (NP_009139.1, residues 301-321): DSKLPAYKDL[Gly311Ser]KNLPFPTYFP